The following is an entry in ClinVar:

ClinVar aggregate classification (germline): Likely benign. Review status: criteria provided, multiple submitters, no conflicts (2 of 4 stars). 3 submissions from 3 submitters: Likely benign (3). Last evaluated 2026-01-14.

Conditions:
Hereditary cancer-predisposing syndrome. Also called: Hereditary Cancer Syndrome; Tumor predisposition; Neoplastic Syndromes, Hereditary; Hereditary neoplastic syndrome. Identifiers: Orphanet 140162, MedGen C0027672, MeSH D009386, MONDO:0015356.

Allele frequency attached by ClinVar (database versions not stated): TOPMed 0.00001.
gnomAD v4.1: 10 of 1,613,790 alleles (0.00062%); highest among the groups gnomAD compares: Middle Eastern, 0.016%; no homozygotes.

Submissions (3):

Labcorp Genetics (formerly Invitae), Labcorp
Classification: Likely benign. Last evaluated: 2026-01-14. Review status: criteria provided, single submitter. Criteria: Invitae Variant Classification Sherloc (09022015). Collection method: clinical testing. Allele origin: germline.

CeGaT Center for Human Genetics Tuebingen
Classification: Likely benign. Last evaluated: 2025-07-01. Review status: criteria provided, single submitter. Criteria: CeGaT Center For Human Genetics Tuebingen Variant Classification Criteria Version 2. Collection method: clinical testing. Allele origin: germline. Affected: yes. Observed: 1 variant allele.
Comment: SMARCB1: BP4, BP7

Ambry Genetics
Classification: Likely benign for Hereditary cancer-predisposing syndrome. Last evaluated: 2017-12-05. Review status: criteria provided, single submitter. Criteria: Ambry Variant Classification Scheme 2023. Collection method: clinical testing. Allele origin: germline.

NM_003073.5(SMARCB1):c.696G>T (p.Thr232=)

Gene: SMARCB1 (SWI/SNF related BAF chromatin remodeling complex subunit B1; plus strand). Cytogenetic location: 22q11.23.
Variant type: single nucleotide variant.
Coding change: c.696G>T on transcript NM_003073.5 (MANE Select); coding-DNA position 696, G replaced by T.
Protein change: p.Thr232=; no amino-acid change (threonine 232 retained).
Molecular consequence: synonymous variant.
Genome position (GRCh38, 1-based): chr22:23,816,837, G>T. VCF-style: chr22-23816837-G-T. GRCh37 (hg19) VCF-style: chr22-24159024-G-T.
Other names: c.696G>T (LRG_520t1); c.669G>T, p.Thr223= (NM_001007468.3); c.723G>T, p.Thr241= (NM_001317946.2); c.750G>T, p.Thr250= (NM_001362877.2).
Identifiers: ClinVar variation 532964 (VCV000532964.24), dbSNP rs145934279, ClinGen allele CA322567950.